The following is an entry in ClinVar:

NM_000069.3(CACNA1S):c.678C>A (p.Cys226Ter)

Gene: CACNA1S (calcium voltage-gated channel subunit alpha1 S; minus strand). Cytogenetic location: 1q32.1.
Variant type: single nucleotide variant.
Coding change: c.678C>A on transcript NM_000069.3 (MANE Select); coding-DNA position 678, C replaced by A.
Protein change: p.Cys226Ter; replaces cysteine 226 with a stop codon.
Molecular consequence: nonsense.
Genome position (GRCh38, 1-based): chr1:201,091,656, G>T on the plus strand (C>A on the coding strand, the complement: CACNA1S is on the minus strand). VCF-style: chr1-201091656-G-T. GRCh37 (hg19) VCF-style: chr1-201060784-G-T.
Other names: short protein forms C226*.
Identifiers: ClinVar variation 4756515 (VCV004756515.1).

ClinVar aggregate classification (germline): Uncertain significance (1 of 4 stars; one submission).

Conditions:
Malignant hyperthermia, susceptibility to, 5 (MHS5). Also called: CACNA1S-Related Malignant Hyperthermia Susceptibility. Identifiers: Orphanet 423, MedGen C1866077, MONDO:0011163, OMIM 601887.

gnomAD v4.1: 2 of 1,614,228 alleles (0.00012%); highest among the groups gnomAD compares: Non-Finnish European, 0.00017%; no homozygotes.

Submission:

Color Diagnostics, LLC DBA Color Health
Classification: Uncertain significance for Malignant hyperthermia, susceptibility to, 5. Last evaluated: 2025-09-10. Review status: criteria provided, single submitter. Criteria: ACMG Guidelines, 2015. Collection method: clinical testing. Allele origin: germline.
Comment: This variant changes 1 nucleotide in exon 5 of the CACNA1S gene, creating a premature translation stop signal. This variant is expected to result in an absent or non-functional protein product. To our knowledge, this variant has not been reported in individuals affected with CACNA1S-related disorders in the literature. This variant has not been identified in the general population by the Genome Aggregation Database (gnomAD). Loss of CACNA1S gene function due to haploinsufficiency is not an established disease mechanism for autosomal dominant malignant hyperthermia susceptibility. Therefore, this variant is classified as a Variant of Uncertain Significance.